The following is an entry in ClinVar:

ClinVar aggregate classification (germline): Uncertain significance (1 of 4 stars; one submission).

Allele frequency attached by ClinVar (database versions not stated): gnomAD exomes below 0.00001; ExAC 0.00001; TOPMed 0.00001.

Submission:

Labcorp Genetics (formerly Invitae), Labcorp
Classification: Uncertain significance. Last evaluated: 2026-01-01. Review status: criteria provided, single submitter. Criteria: Invitae Variant Classification Sherloc (09022015). Collection method: clinical testing. Allele origin: germline.
Comment: This sequence change replaces lysine, which is basic and polar, with arginine, which is basic and polar, at codon 1418 of the POLA1 protein (p.Lys1418Arg). This variant is present in population databases (rs775953989, gnomAD 0.004%). This variant has not been reported in the literature in individuals affected with POLA1-related conditions. ClinVar contains an entry for this variant (Variation ID: 1922505). An algorithm developed to predict the effect of missense changes on protein structure and function outputs the following: PolyPhen-2: "Benign". The arginine amino acid residue is found in multiple mammalian species, which suggests that this missense change does not adversely affect protein function. In summary, the available evidence is currently insufficient to determine the role of this variant in disease. Therefore, it has been classified as a Variant of Uncertain Significance.

NM_001330360.2(POLA1):c.4271A>G (p.Lys1424Arg)

Gene: POLA1 (DNA polymerase alpha 1, catalytic subunit; plus strand). Cytogenetic location: Xp21.3.
Variant type: single nucleotide variant.
Coding change: c.4271A>G on transcript NM_001330360.2 (MANE Select); coding-DNA position 4271, A replaced by G.
Protein change: p.Lys1424Arg; replaces lysine 1424 with arginine.
Molecular consequence: missense variant. On other transcripts: non-coding transcript variant (2).
Genome position (GRCh38, 1-based): chrX:24,995,814, A>G. VCF-style: chrX-24995814-A-G. GRCh37 (hg19) VCF-style: chrX-25013931-A-G.
Other names: c.4196A>G, p.Lys1399Arg (NM_001378303.1); c.4253A>G, p.Lys1418Arg (NM_016937.4); short protein forms K1424R, K1418R, K1399R.
Identifiers: ClinVar variation 1922505 (VCV001922505.5), dbSNP rs775953989, ClinGen allele CA10373735.